The following is an entry in ClinVar:

ClinVar aggregate classification (germline): Uncertain significance (1 of 4 stars; one submission).

Submission:

Labcorp Genetics (formerly Invitae), Labcorp
Classification: Uncertain significance. Last evaluated: 2022-09-01. Review status: criteria provided, single submitter. Criteria: Invitae Variant Classification Sherloc (09022015). Collection method: clinical testing. Allele origin: germline.
Comment: In summary, the available evidence is currently insufficient to determine the role of this variant in disease. Therefore, it has been classified as a Variant of Uncertain Significance. Algorithms developed to predict the effect of missense changes on protein structure and function (SIFT, PolyPhen-2, Align-GVGD) all suggest that this variant is likely to be tolerated. This variant has not been reported in the literature in individuals affected with GUCY2C-related conditions. This variant is not present in population databases (gnomAD no frequency). This sequence change replaces arginine, which is basic and polar, with glycine, which is neutral and non-polar, at codon 319 of the GUCY2C protein (p.Arg319Gly).

NM_004963.4(GUCY2C):c.955C>G (p.Arg319Gly)

Genes: GUCY2C-AS1 (GUCY2C antisense RNA 1; plus strand), GUCY2C (guanylate cyclase 2C; minus strand). Cytogenetic location: 12p12.3.
Variant type: single nucleotide variant.
Coding change: c.955C>G on transcript NM_004963.4 (MANE Select); coding-DNA position 955, C replaced by G.
Protein change: p.Arg319Gly; replaces arginine 319 with glycine.
Molecular consequence: missense variant.
Genome position (GRCh38, 1-based): chr12:14,674,754, G>C on the plus strand (C>G on the coding strand, the complement: GUCY2C is on the minus strand). VCF-style: chr12-14674754-G-C. GRCh37 (hg19) VCF-style: chr12-14827688-G-C.
Other names: short protein forms R319G.
Identifiers: ClinVar variation 1949268 (VCV001949268.5), dbSNP rs760164631, ClinGen allele CA384001766.